The following is an entry in ClinVar:

NM_004481.5(GALNT2):c.760G>A (p.Asp254Asn)

Gene: GALNT2 (polypeptide N-acetylgalactosaminyltransferase 2; plus strand). Cytogenetic location: 1q42.13.
Variant type: single nucleotide variant.
Coding change: c.760G>A on transcript NM_004481.5 (MANE Select); coding-DNA position 760, G replaced by A.
Protein change: p.Asp254Asn; replaces aspartic acid 254 with asparagine.
Molecular consequence: missense variant.
Genome position (GRCh38, 1-based): chr1:230,246,093, G>A. VCF-style: chr1-230246093-G-A. GRCh37 (hg19) VCF-style: chr1-230381839-G-A.
Other names: c.646G>A, p.Asp216Asn (NM_001291866.2); short protein forms D216N, D254N.
Identifiers: ClinVar variation 2442562 (VCV002442562.1), dbSNP rs753841195, ClinGen allele CA1446281.

ClinVar aggregate classification (germline): Uncertain significance (1 of 4 stars; one submission).

Allele frequency attached by ClinVar (database versions not stated): gnomAD exomes below 0.00001; TOPMed below 0.00001; ExAC 0.00001; gnomAD 0.00001.
gnomAD v4.1: 4 of 1,613,826 alleles (0.00025%); highest among the groups gnomAD compares: Non-Finnish European, 0.00034%; no homozygotes.

Submission:

GeneDx
Classification: Uncertain significance. Last evaluated: 2022-08-24. Review status: criteria provided, single submitter. Criteria: GeneDx Variant Classification Process June 2021. Collection method: clinical testing. Allele origin: germline. Affected: yes.
Comment: Not observed at significant frequency in large population cohorts (gnomAD); In silico analysis supports that this missense variant has a deleterious effect on protein structure/function; Has not been previously published as pathogenic or benign to our knowledge